The following is an entry in ClinVar:

NM_000416.3(IFNGR1):c.1199G>A (p.Arg400Lys)

Gene: IFNGR1 (interferon gamma receptor 1; minus strand). Cytogenetic location: 6q23.3.
Variant type: single nucleotide variant.
Coding change: c.1199G>A on transcript NM_000416.3 (MANE Select); coding-DNA position 1199, G replaced by A.
Protein change: p.Arg400Lys; replaces arginine 400 with lysine.
Molecular consequence: missense variant.
Genome position (GRCh38, 1-based): chr6:137,198,302, C>T on the plus strand (G>A on the coding strand, the complement: IFNGR1 is on the minus strand). VCF-style: chr6-137198302-C-T. GRCh37 (hg19) VCF-style: chr6-137519439-C-T.
Other names: c.1169G>A, p.Arg390Lys (NM_001363526.1); c.1076G>A, p.Arg359Lys (NM_001363527.1); short protein forms R359K, R390K, R400K.
Identifiers: ClinVar variation 1426104 (VCV001426104.6), dbSNP rs1235375041, ClinGen allele CA365772504.

ClinVar aggregate classification (germline): Uncertain significance (1 of 4 stars; one submission).

Conditions:
Disseminated atypical mycobacterial infection. Identifiers: MedGen C0694566.

Allele frequency attached by ClinVar (database versions not stated): gnomAD exomes below 0.00001.
gnomAD v4.1: 1 of 1,614,122 alleles (0.000062%); highest among the groups gnomAD compares: Admixed American, 0.0017%; no homozygotes.

Submission:

Labcorp Genetics (formerly Invitae), Labcorp
Classification: Uncertain significance for Disseminated atypical mycobacterial infection. Last evaluated: 2021-11-16. Review status: criteria provided, single submitter. Criteria: Invitae Variant Classification Sherloc (09022015). Collection method: clinical testing. Allele origin: germline.
Comment: This sequence change replaces arginine, which is basic and polar, with lysine, which is basic and polar, at codon 400 of the IFNGR1 protein (p.Arg400Lys). This variant is present in population databases (no rsID available, gnomAD 0.003%). In summary, the available evidence is currently insufficient to determine the role of this variant in disease. Therefore, it has been classified as a Variant of Uncertain Significance. Algorithms developed to predict the effect of missense changes on protein structure and function are either unavailable or do not agree on the potential impact of this missense change (SIFT: "Tolerated"; PolyPhen-2: "Possibly Damaging"; Align-GVGD: "Class C0"). This variant has not been reported in the literature in individuals affected with IFNGR1-related conditions.